The following is an entry in ClinVar:

NM_006231.4(POLE):c.3401T>C (p.Ile1134Thr)

Gene: POLE (DNA polymerase epsilon, catalytic subunit; minus strand). Cytogenetic location: 12q24.33.
Variant type: single nucleotide variant.
Coding change: c.3401T>C on transcript NM_006231.4 (MANE Select); coding-DNA position 3401, T replaced by C.
Protein change: p.Ile1134Thr; replaces isoleucine 1134 with threonine.
Molecular consequence: missense variant.
Genome position (GRCh38, 1-based): chr12:132,657,407, A>G on the plus strand (T>C on the coding strand, the complement: POLE is on the minus strand). VCF-style: chr12-132657407-A-G. GRCh37 (hg19) VCF-style: chr12-133233993-A-G.
Other names: short protein forms I1134T.
Identifiers: ClinVar variation 473593 (VCV000473593.12), dbSNP rs1054915845, ClinGen allele CA246314908.
Genomic context (GRCh38, chr12:132,657,407, plus strand): 5'-ACCTGCTGCAGGGCCGCAGGGATGGTGATGATCTTCTGGATGGCGCTTCCCAGCCGCTCA[A>G]TGTAGTAGTCCCAATCCAGAATCTGCATGTGCAGGAAACGGGCACAGAGAACAGCAGGTG-3'
Protein context (NP_006222.2, residues 1124-1144): IRAILDWDYY[Ile1134Thr]ERLGSAIQKI

ClinVar aggregate classification (germline): Uncertain significance. Review status: criteria provided, multiple submitters, no conflicts (2 of 4 stars). 4 submissions from 4 submitters: Uncertain significance (4). Last evaluated 2025-11-16.

Conditions:
Facial dysmorphism-immunodeficiency-livedo-short stature syndrome. Also called: Facial dysmorphism, immunodeficiency, livedo, and short stature; FILS syndrome. Identifiers: Orphanet 352712, MedGen C3554576, MONDO:0014058, OMIM 615139.
Intrauterine growth retardation, metaphyseal dysplasia, adrenal hypoplasia congenita, genital anomalies, and immunodeficiency. Also called: IMAGEI SYNDROME. Identifiers: MedGen C5193036, MONDO:0032684, OMIM 618336.
Colorectal cancer, susceptibility to, 12 (CRCS12). Also called: COLORECTAL CANCER, SUSCEPTIBILITY TO, ON CHROMOSOME 12q24. Identifiers: Orphanet 220460, MedGen C3554460, MONDO:0014038, OMIM 615083.
Hereditary cancer-predisposing syndrome. Also called: Neoplastic Syndromes, Hereditary; Tumor predisposition; Hereditary Cancer Syndrome; Hereditary neoplastic syndrome. Identifiers: Orphanet 140162, MedGen C0027672, MeSH D009386, MONDO:0015356.

Allele frequency attached by ClinVar (database versions not stated): gnomAD exomes below 0.00001; gnomAD 0.00001; TOPMed 0.00001.
gnomAD v4.1: 9 of 1,613,990 alleles (0.00056%); highest among the groups gnomAD compares: African/African-American, 0.004%; no homozygotes.

Submissions (4):

Labcorp Genetics (formerly Invitae), Labcorp
Classification: Uncertain significance. Last evaluated: 2025-11-16. Review status: criteria provided, single submitter. Criteria: Invitae Variant Classification Sherloc (09022015). Collection method: clinical testing. Allele origin: germline.
Comment: This sequence change replaces isoleucine, which is neutral and non-polar, with threonine, which is neutral and polar, at codon 1134 of the POLE protein (p.Ile1134Thr). This variant is present in population databases (no rsID available, gnomAD 0.003%). This variant has not been reported in the literature in individuals affected with POLE-related conditions. ClinVar contains an entry for this variant (Variation ID: 473593). Invitae Evidence Modeling of protein sequence and biophysical properties (such as structural, functional, and spatial information, amino acid conservation, physicochemical variation, residue mobility, and thermodynamic stability) indicates that this missense variant is not expected to disrupt POLE protein function with a negative predictive value of 80%. In summary, the available evidence is currently insufficient to determine the role of this variant in disease. Therefore, it has been classified as a Variant of Uncertain Significance.

Fulgent Genetics
Classification: Uncertain significance for Colorectal cancer, susceptibility to, 12; Facial dysmorphism-immunodeficiency-livedo-short stature syndrome; Intrauterine growth retardation, metaphyseal dysplasia, adrenal hypoplasia congenita, genital anomalies, and immunodeficiency. Last evaluated: 2024-02-21. Review status: criteria provided, single submitter. Criteria: ACMG Guidelines, 2015. Collection method: clinical testing. Allele origin: germline.

Ambry Genetics
Classification: Uncertain significance for Hereditary cancer-predisposing syndrome. Last evaluated: 2023-12-30. Review status: criteria provided, single submitter. Criteria: Ambry Variant Classification Scheme 2023. Collection method: clinical testing. Allele origin: germline.
Comment: The p.I1134T variant (also known as c.3401T>C), located in coding exon 28 of the POLE gene, results from a T to C substitution at nucleotide position 3401. The isoleucine at codon 1134 is replaced by threonine, an amino acid with similar properties. This amino acid position is conserved. In addition, the in silico prediction for this alteration is inconclusive. Since supporting evidence is limited at this time, the clinical significance of this alteration remains unclear.

GeneDx
Classification: Uncertain significance. Last evaluated: 2022-12-29. Review status: criteria provided, single submitter. Criteria: GeneDx Variant Classification Process June 2021. Collection method: clinical testing. Allele origin: germline. Affected: yes.
Comment: Not observed at significant frequency in large population cohorts (gnomAD); In silico analysis supports that this missense variant has a deleterious effect on protein structure/function; Has not been previously published as pathogenic or benign to our knowledge